The following is an entry in ClinVar:

ClinVar aggregate classification (germline): Likely benign (1 of 4 stars; one submission).

Allele frequency attached by ClinVar (database versions not stated): TOPMed 0.00003; ExAC 0.00004; gnomAD 0.00004; gnomAD exomes 0.00004; 1000 Genomes Project 30x 0.00031; 1000 Genomes Project 0.00040.

Submission:

CeGaT Center for Human Genetics Tuebingen
Classification: Likely benign. Last evaluated: 2023-01-01. Review status: criteria provided, single submitter. Criteria: CeGaT Center For Human Genetics Tuebingen Variant Classification Criteria Version 2. Collection method: clinical testing. Allele origin: germline. Affected: yes. Observed: 1 variant allele.
Comment: PRAM1: BP4, BP7

NM_032152.5(PRAM1):c.1806C>T (p.Arg602=)

Gene: PRAM1 (PML-RARA regulated adaptor molecule 1; minus strand). Cytogenetic location: 19p13.2.
Variant type: single nucleotide variant.
Coding change: c.1806C>T on transcript NM_032152.5 (MANE Select); coding-DNA position 1806, C replaced by T.
Protein change: p.Arg602=; no amino-acid change (arginine 602 retained).
Molecular consequence: synonymous variant.
Genome position (GRCh38, 1-based): chr19:8,490,694, G>A on the plus strand (C>T on the coding strand, the complement: PRAM1 is on the minus strand). VCF-style: chr19-8490694-G-A. GRCh37 (hg19) VCF-style: chr19-8555578-G-A.
Identifiers: ClinVar variation 2649201 (VCV002649201.24), dbSNP rs141653909, ClinGen allele CA9157632.